The following is an entry in ClinVar:

ClinVar aggregate classification (germline): Uncertain significance (1 of 4 stars; one submission).

Submission:

Labcorp Genetics (formerly Invitae), Labcorp
Classification: Uncertain significance. Last evaluated: 2025-08-13. Review status: criteria provided, single submitter. Criteria: Invitae Variant Classification Sherloc (09022015). Collection method: clinical testing. Allele origin: germline.
Comment: This sequence change replaces leucine, which is neutral and non-polar, with valine, which is neutral and non-polar, at codon 105 of the ERCC2 protein (p.Leu105Val). This variant is not present in population databases (gnomAD no frequency). This variant has not been reported in the literature in individuals affected with ERCC2-related conditions. Invitae Evidence Modeling of protein sequence and biophysical properties (such as structural, functional, and spatial information, amino acid conservation, physicochemical variation, residue mobility, and thermodynamic stability) indicates that this missense variant is not expected to disrupt ERCC2 protein function with a negative predictive value of 80%. In summary, the available evidence is currently insufficient to determine the role of this variant in disease. Therefore, it has been classified as a Variant of Uncertain Significance.

NM_000400.4(ERCC2):c.313C>G (p.Leu105Val)

Gene: ERCC2 (ERCC excision repair 2, TFIIH core complex helicase subunit; minus strand). Cytogenetic location: 19q13.32.
Variant type: single nucleotide variant.
Coding change: c.313C>G on transcript NM_000400.4 (MANE Select); coding-DNA position 313, C replaced by G.
Protein change: p.Leu105Val; replaces leucine 105 with valine.
Molecular consequence: missense variant. On other transcripts: non-coding transcript variant (3).
Genome position (GRCh38, 1-based): chr19:45,368,677, G>C on the plus strand (C>G on the coding strand, the complement: ERCC2 is on the minus strand). VCF-style: chr19-45368677-G-C. GRCh37 (hg19) VCF-style: chr19-45871935-G-C.
Other names: c.241C>G, p.Leu81Val (NM_001130867.2, NM_001440355.1); c.235C>G, p.Leu79Val (NM_001440356.1); c.190C>G, p.Leu64Val (NM_001440357.1); short protein forms L64V, L81V, L105V, L79V.
Identifiers: ClinVar variation 4741221 (VCV004741221.1).
Genomic context (GRCh38, chr19:45,368,677, plus strand): 5'-AACAGGTGCTCACCTCAGGGTGAATACACAAGTTTTTGCGGGAGCTCAGAGCCAGTCCCA[G>C]AAACGGCAGCTTCTCGCCCTCCTGCTTCTCATAGAAGTTGAGCAACTTTCGAAGCTCTTC-3'
Protein context (NP_000391.1, residues 95-115): EKQEGEKLPF[Leu105Val]GLALSSRKNL